The following is an entry in ClinVar:

ClinVar aggregate classification (germline): Uncertain significance (1 of 4 stars; one submission).

Allele frequency attached by ClinVar (database versions not stated): gnomAD exomes below 0.00001; gnomAD 0.00001; TOPMed 0.00001.
gnomAD v4.1: 3 of 1,613,718 alleles (0.00019%); highest among the groups gnomAD compares: Non-Finnish European, 0.00025%; no homozygotes.

Submission:

Labcorp Genetics (formerly Invitae), Labcorp
Classification: Uncertain significance. Last evaluated: 2022-10-17. Review status: criteria provided, single submitter. Criteria: Invitae Variant Classification Sherloc (09022015). Collection method: clinical testing. Allele origin: germline.
Comment: Algorithms developed to predict the effect of missense changes on protein structure and function (SIFT, PolyPhen-2, Align-GVGD) all suggest that this variant is likely to be tolerated. This variant has not been reported in the literature in individuals affected with ERMARD-related conditions. This variant is present in population databases (no rsID available, gnomAD 0.0009%). This sequence change replaces asparagine, which is neutral and polar, with histidine, which is basic and polar, at codon 35 of the ERMARD protein (p.Asn35His). In summary, the available evidence is currently insufficient to determine the role of this variant in disease. Therefore, it has been classified as a Variant of Uncertain Significance.

NM_018341.3(ERMARD):c.103A>C (p.Asn35His)

Gene: ERMARD (ER membrane associated RNA degradation; plus strand). Cytogenetic location: 6q27.
Variant type: single nucleotide variant.
Coding change: c.103A>C on transcript NM_018341.3 (MANE Select); coding-DNA position 103, A replaced by C.
Protein change: p.Asn35His; replaces asparagine 35 with histidine.
Molecular consequence: missense variant. On other transcripts: intron variant (1).
Genome position (GRCh38, 1-based): chr6:169,753,960, A>C. VCF-style: chr6-169753960-A-C. GRCh37 (hg19) VCF-style: chr6-170154056-A-C.
Other names: c.103A>C, p.Asn35His (NM_001278531.2, NM_001278533.2); c.-203-1323A>C (NM_001278532.2); short protein forms N35H.
Identifiers: ClinVar variation 2058713 (VCV002058713.4), dbSNP rs1414259843, ClinGen allele CA366503939.